The following is an entry in ClinVar:

NM_138801.3(GALM):c.452C>A (p.Thr151Asn)

Gene: GALM (galactose mutarotase; plus strand). Cytogenetic location: 2p22.1.
Variant type: single nucleotide variant.
Coding change: c.452C>A on transcript NM_138801.3 (MANE Select); coding-DNA position 452, C replaced by A.
Protein change: p.Thr151Asn; replaces threonine 151 with asparagine.
Molecular consequence: missense variant.
Genome position (GRCh38, 1-based): chr2:38,681,386, C>A. VCF-style: chr2-38681386-C-A. GRCh37 (hg19) VCF-style: chr2-38908528-C-A.
Other names: short protein forms T151N.
Identifiers: ClinVar variation 4873794 (VCV004873794.2).

ClinVar aggregate classification (germline): Uncertain significance (1 of 4 stars; one submission).

Submission:

CeGaT Center for Human Genetics Tuebingen
Classification: Uncertain significance. Last evaluated: 2026-05-01. Review status: criteria provided, single submitter. Criteria: CeGaT Center For Human Genetics Tuebingen Variant Classification Criteria Version 2. Collection method: clinical testing. Allele origin: germline. Affected: yes. Observed: 1 variant allele.
Comment: GALM: PM2